The following is an entry in ClinVar:

NM_000815.5(GABRD):c.813C>G (p.Ile271Met)

Gene: GABRD (gamma-aminobutyric acid type A receptor subunit delta; plus strand). Cytogenetic location: 1p36.33.
Variant type: single nucleotide variant.
Coding change: c.813C>G on transcript NM_000815.5 (MANE Select); coding-DNA position 813, C replaced by G.
Protein change: p.Ile271Met; replaces isoleucine 271 with methionine.
Molecular consequence: missense variant.
Genome position (GRCh38, 1-based): chr1:2,029,232, C>G. VCF-style: chr1-2029232-C-G. GRCh37 (hg19) VCF-style: chr1-1960671-C-G.
Other names: short protein forms I271M.
Identifiers: ClinVar variation 2499744 (VCV002499744.1), dbSNP rs1659015382, ClinGen allele CA337959350.

ClinVar aggregate classification (germline): Uncertain significance (1 of 4 stars; one submission).

Submission:

GeneDx
Classification: Uncertain significance. Last evaluated: 2022-10-20. Review status: criteria provided, single submitter. Criteria: GeneDx Variant Classification Process June 2021. Collection method: clinical testing. Allele origin: germline. Affected: yes.
Comment: Not observed at significant frequency in large population cohorts (gnomAD); In silico analysis supports that this missense variant has a deleterious effect on protein structure/function; Has not been previously published as pathogenic or benign to our knowledge